The following is an entry in ClinVar:

NM_000257.4(MYH7):c.4354-6G>A

Genes: MHRT (myosin heavy chain associated RNA transcript; plus strand), MYH7 (myosin heavy chain 7; minus strand). Cytogenetic location: 14q11.2.
Variant type: single nucleotide variant.
Coding change: c.4354-6G>A on transcript NM_000257.4 (MANE Select); 6 bases into the intron before coding-DNA position 4354, G replaced by A.
Molecular consequence: intron variant. On other transcripts: non-coding transcript variant (1).
Genome position (GRCh38, 1-based): chr14:23,417,324, C>T on the plus strand (G>A on the coding strand, the complement: MYH7 is on the minus strand). VCF-style: chr14-23417324-C-T. GRCh37 (hg19) VCF-style: chr14-23886533-C-T.
Other names: c.4354-6G>A (LRG_384t1).
Identifiers: ClinVar variation 380319 (VCV000380319.20), dbSNP rs368078397, ClinGen allele CA042002.

ClinVar aggregate classification (germline): Conflicting classifications of pathogenicity. Review status: criteria provided, conflicting classifications (1 of 4 stars). 6 submissions from 6 submitters: Uncertain significance (2); Benign (1); Likely benign (3). Last evaluated 2025-12-10.

Conditions:
Cardiomyopathy (CMYO). Also called: Cardiomyopathies. Identifiers: Orphanet 167848, MedGen C0878544, MONDO:0004994, HP:0001638. Inheritance: Various modes of inheritance.
Hypertrophic cardiomyopathy. Also called: HYPERTROPHIC MYOCARDIOPATHY. Identifiers: Orphanet 217569, MedGen C0007194, MeSH D002312, MONDO:0005045, HP:0001639.

Allele frequency attached by ClinVar (database versions not stated): ExAC 0.00002; gnomAD exomes 0.00003; ESP Exome Variant Server 0.00008; gnomAD 0.00008 and 0.00009; TOPMed 0.00008.
gnomAD v4.1: 57 of 1,613,410 alleles (0.0035%); highest among the groups gnomAD compares: African/African-American, 0.023%; no homozygotes.

Submissions (6):

Labcorp Genetics (formerly Invitae), Labcorp
Classification: Likely benign for Hypertrophic cardiomyopathy. Last evaluated: 2025-12-10. Review status: criteria provided, single submitter. Criteria: Invitae Variant Classification Sherloc (09022015). Collection method: clinical testing. Allele origin: germline.

Women's Health and Genetics/Laboratory Corporation of America, LabCorp
Classification: Uncertain significance. Last evaluated: 2025-03-22. Review status: criteria provided, single submitter. Criteria: LabCorp Variant Classification Summary - May 2015. Collection method: clinical testing. Allele origin: germline.

All of Us Research Program, National Institutes of Health
Classification: Likely benign for Cardiomyopathy. Last evaluated: 2024-01-11. Review status: criteria provided, single submitter. Criteria: ACMG Guidelines, 2015. Collection method: clinical testing. Allele origin: germline. Inheritance: Autosomal dominant inheritance. Observed: 12 variant alleles, 12 heterozygotes.
Comment: This study involves interpretation of variants in research participants for the purpose of population health screening. Participant phenotype was not available at the time of variant classification. Additional details can be found in publication PMID: 35346344, PMCID: PMC8962531

Mayo Clinic Laboratories, Mayo Clinic
Classification: Uncertain significance. Last evaluated: 2020-02-25. Review status: criteria provided, single submitter. Criteria: ACMG Guidelines, 2015. Collection method: clinical testing. Allele origin: germline. Observed: 1 variant allele.

Color Diagnostics, LLC DBA Color Health
Classification: Likely benign for Cardiomyopathy. Last evaluated: 2019-11-22. Review status: criteria provided, single submitter. Criteria: ACMG Guidelines, 2015. Collection method: clinical testing. Allele origin: germline.

GeneDx
Classification: Benign. Last evaluated: 2015-08-24. Review status: criteria provided, single submitter. Criteria: GeneDx Variant Classification (06012015). Collection method: clinical testing. Allele origin: germline. Affected: yes.
Comment: This variant is considered likely benign or benign based on one or more of the following criteria: it is a conservative change, it occurs at a poorly conserved position in the protein, it is predicted to be benign by multiple in silico algorithms, and/or has population frequency not consistent with disease.